The following is an entry in ClinVar:

NM_014244.5(ADAMTS2):c.892-185G>A

Gene: ADAMTS2 (ADAM metallopeptidase with thrombospondin type 1 motif 2; minus strand). Cytogenetic location: 5q35.3.
Variant type: single nucleotide variant.
Coding change: c.892-185G>A on transcript NM_014244.5 (MANE Select); 185 bases into the intron before coding-DNA position 892, G replaced by A.
Molecular consequence: intron variant.
Genome position (GRCh38, 1-based): chr5:179,181,340, C>T on the plus strand (G>A on the coding strand, the complement: ADAMTS2 is on the minus strand). VCF-style: chr5-179181340-C-T. GRCh37 (hg19) VCF-style: chr5-178608341-C-T.
Other names: c.892-185G>A (NM_021599.4).
Identifiers: ClinVar variation 674742 (VCV000674742.1), dbSNP rs11749583, ClinGen allele CA16250781.

ClinVar aggregate classification (germline): Benign (1 of 4 stars; one submission).

Allele frequency attached by ClinVar (database versions not stated): 1000 Genomes Project 30x 0.05418; 1000 Genomes Project 0.05731; TOPMed 0.08526; gnomAD 0.09381 and 0.09572.
gnomAD v4.1: 14,421 of 152,204 alleles (9.5%); highest among the groups gnomAD compares: Non-Finnish European, 13%; 907 homozygotes.

Submission:

GeneDx
Classification: Benign. Last evaluated: 2018-06-14. Review status: criteria provided, single submitter. Criteria: GeneDx Variant Classification (06012015). Collection method: clinical testing. Allele origin: germline. Affected: yes.
Comment: This variant is considered likely benign or benign based on one or more of the following criteria: it is a conservative change, it occurs at a poorly conserved position in the protein, it is predicted to be benign by multiple in silico algorithms, and/or has population frequency not consistent with disease.